The following is an entry in ClinVar:

ClinVar aggregate classification (germline): Uncertain significance. Review status: criteria provided, multiple submitters, no conflicts (2 of 4 stars). 4 submissions from 4 submitters: Uncertain significance (4). Last evaluated 2026-02-11.

Conditions:
Choanal atresia-athelia-hypothyroidism-delayed puberty-short stature syndrome (BCAHH). Also called: BRANCHIAL ARCH ABNORMALITIES, CHOANAL ATRESIA, ATHELIA, HEARING LOSS, AND HYPOTHYROIDISM SYNDROME. Identifiers: Orphanet 589856, MedGen C5680310, MONDO:0035651, OMIM 620186.
Kabuki syndrome 1 (KABUK1). Also called: KMT2D-Related Kabuki Syndrome. Identifiers: Orphanet 2322, MedGen CN030661, MONDO:0007843, OMIM 147920.
KMT2D-related disorder. Also called: KMT2D-Related Disorders.
Kabuki syndrome. Also called: NIIKAWA-KUROKI SYNDROME; Kabuki make-up syndrome. Identifiers: Orphanet 2322, MedGen C0796004, MONDO:0016512.

Allele frequency attached by ClinVar (database versions not stated): gnomAD exomes below 0.00001; gnomAD 0.00001 and 0.00002; TOPMed 0.00002.
gnomAD v4.1: 5 of 1,613,842 alleles (0.00031%); highest among the groups gnomAD compares: African/African-American, 0.0053%; no homozygotes.

Submissions (4):

PreventionGenetics, part of Exact Sciences
Classification: Uncertain significance for KMT2D-related condition. Last evaluated: 2026-02-11. Review status: criteria provided, single submitter. Criteria: ACMG Guidelines, 2015. Collection method: clinical testing. Allele origin: germline.
Comment: The KMT2D c.7708C>T variant is predicted to result in the amino acid substitution p.Pro2570Ser. This variant has been reported in an individual with a negative episignature test (Supplemental Table 1, Kerkhof et al. 2024. PubMed ID: 38251460). This variant has not been reported in a large population database (gnomAD v2). However, in gnomAD v4 (available only on GRCh38), this variant is reported in 0.0053% of alleles in the African/African American subpopulation. Although we suspect that this variant may be benign, at this time, the clinical significance of this variant is uncertain due to the absence of conclusive functional and genetic evidence.

Labcorp Genetics (formerly Invitae), Labcorp
Classification: Uncertain significance for Kabuki syndrome. Last evaluated: 2024-09-15. Review status: criteria provided, single submitter. Criteria: Invitae Variant Classification Sherloc (09022015). Collection method: clinical testing. Allele origin: germline.
Comment: This sequence change replaces proline, which is neutral and non-polar, with serine, which is neutral and polar, at codon 2570 of the KMT2D protein (p.Pro2570Ser). This variant is not present in population databases (gnomAD no frequency). This variant has not been reported in the literature in individuals affected with KMT2D-related conditions. ClinVar contains an entry for this variant (Variation ID: 1313549). Invitae Evidence Modeling of protein sequence and biophysical properties (such as structural, functional, and spatial information, amino acid conservation, physicochemical variation, residue mobility, and thermodynamic stability) indicates that this missense variant is not expected to disrupt KMT2D protein function with a negative predictive value of 95%. In summary, the available evidence is currently insufficient to determine the role of this variant in disease. Therefore, it has been classified as a Variant of Uncertain Significance.

Fulgent Genetics
Classification: Uncertain significance for Kabuki syndrome 1; Choanal atresia-athelia-hypothyroidism-delayed puberty-short stature syndrome. Last evaluated: 2024-05-13. Review status: criteria provided, single submitter. Criteria: ACMG Guidelines, 2015. Collection method: clinical testing. Allele origin: germline.

GeneDx
Classification: Uncertain significance. Last evaluated: 2023-09-10. Review status: criteria provided, single submitter. Criteria: GeneDx Variant Classification Process June 2021. Collection method: clinical testing. Allele origin: germline. Affected: yes.
Comment: Not observed in large population cohorts (gnomAD); In silico analysis supports that this missense variant has a deleterious effect on protein structure/function; Has not been previously published as pathogenic or benign to our knowledge

NM_003482.4(KMT2D):c.7708C>T (p.Pro2570Ser)

Gene: KMT2D (lysine methyltransferase 2D; minus strand). Cytogenetic location: 12q13.12.
Variant type: single nucleotide variant.
Coding change: c.7708C>T on transcript NM_003482.4 (MANE Select); coding-DNA position 7708, C replaced by T.
Protein change: p.Pro2570Ser; replaces proline 2570 with serine.
Molecular consequence: missense variant.
Genome position (GRCh38, 1-based): chr12:49,040,062, G>A on the plus strand (C>T on the coding strand, the complement: KMT2D is on the minus strand). VCF-style: chr12-49040062-G-A. GRCh37 (hg19) VCF-style: chr12-49433845-G-A.
Other names: short protein forms P2570S.
Identifiers: ClinVar variation 1313549 (VCV001313549.8), dbSNP rs1041805872, ClinGen allele CA236647591.